The following is an entry in ClinVar:

NM_000548.5(TSC2):c.1400A>G (p.Asp467Gly)

Gene: TSC2 (TSC complex subunit 2; plus strand). Cytogenetic location: 16p13.3.
Variant type: single nucleotide variant.
Coding change: c.1400A>G on transcript NM_000548.5 (MANE Select); coding-DNA position 1400, A replaced by G.
Protein change: p.Asp467Gly; replaces aspartic acid 467 with glycine.
Molecular consequence: missense variant.
Genome position (GRCh38, 1-based): chr16:2,063,010, A>G. VCF-style: chr16-2063010-A-G. GRCh37 (hg19) VCF-style: chr16-2113011-A-G.
Other names: c.1400A>G, p.Asp467Gly (NM_001077183.3, NM_001114382.3, NM_001363528.2 and 3 more transcripts); c.1289A>G, p.Asp430Gly (NM_001318827.2); c.1253A>G, p.Asp418Gly (NM_001318829.2); c.800A>G, p.Asp267Gly (NM_001318831.2); c.1433A>G, p.Asp478Gly (NM_001318832.2); short protein forms D467G, D267G, D418G, D430G, D478G.
Identifiers: ClinVar variation 406133 (VCV000406133.7), dbSNP rs1060500977, ClinGen allele CA16614711.

ClinVar aggregate classification (germline): Uncertain significance. Review status: criteria provided, multiple submitters, no conflicts (2 of 4 stars). 3 submissions from 3 submitters: Uncertain significance (3). Last evaluated 2021-11-07.

Conditions:
Hereditary cancer-predisposing syndrome. Also called: Tumor predisposition; Neoplastic Syndromes, Hereditary; Hereditary Cancer Syndrome; Hereditary neoplastic syndrome. Identifiers: Orphanet 140162, MedGen C0027672, MeSH D009386, MONDO:0015356.
Tuberous sclerosis 2 (TSC2). Identifiers: Orphanet 805, MedGen C1860707, MONDO:0013199, OMIM 613254.

Submissions (3):

Genome-Nilou Lab
Classification: Uncertain significance for Tuberous sclerosis 2. Last evaluated: 2021-11-07. Review status: criteria provided, single submitter. Criteria: ACMG Guidelines, 2015. Collection method: clinical testing. Allele origin: germline. Affected: no.

Ambry Genetics
Classification: Uncertain significance for Hereditary cancer-predisposing syndrome. Last evaluated: 2019-07-30. Review status: criteria provided, single submitter. Criteria: Ambry Variant Classification Scheme 2023. Collection method: clinical testing. Allele origin: germline.
Comment: The p.D467G variant (also known as c.1400A>G), located in coding exon 13 of the TSC2 gene, results from an A to G substitution at nucleotide position 1400. The aspartic acid at codon 467 is replaced by glycine, an amino acid with similar properties. This amino acid position is not well conserved in available vertebrate species. In addition, this alteration is predicted to be deleterious by in silico analysis. Since supporting evidence is limited at this time, the clinical significance of this alteration remains unclear.

Labcorp Genetics (formerly Invitae), Labcorp
Classification: Uncertain significance for Tuberous sclerosis 2. Last evaluated: 2016-11-25. Review status: criteria provided, single submitter. Criteria: Invitae Variant Classification Sherloc (09022015). Collection method: clinical testing. Allele origin: germline.
Comment: This sequence change replaces aspartic acid with glycine at codon 467 of the TSC2 protein (p.Asp467Gly). The aspartic acid residue is moderately conserved and there is a moderate physicochemical difference between aspartic acid and glycine. This variant is not present in population databases (ExAC no frequency) and has not been reported in the literature in individuals with a TSC2-related disease. Algorithms developed to predict the effect of missense changes on protein structure and function (SIFT, PolyPhen-2, Align-GVGD) all suggest that this variant is likely to be tolerated, but these predictions have not been confirmed by published functional studies. In summary, this variant is a novel missense change that is not predicted to affect protein function. There is no indication that it causes disease, but the available evidence is currently insufficient to prove that conclusively. Therefore, it has been classified as a Variant of Uncertain Significance.